The following is an entry in ClinVar:

NM_152618.3(BBS12):c.1712A>G (p.Asn571Ser)

Gene: BBS12 (Bardet-Biedl syndrome 12; plus strand). Cytogenetic location: 4q27.
Variant type: single nucleotide variant.
Coding change: c.1712A>G on transcript NM_152618.3 (MANE Select); coding-DNA position 1712, A replaced by G.
Protein change: p.Asn571Ser; replaces asparagine 571 with serine.
Molecular consequence: missense variant.
Genome position (GRCh38, 1-based): chr4:122,743,604, A>G. VCF-style: chr4-122743604-A-G. GRCh37 (hg19) VCF-style: chr4-123664759-A-G.
Other names: c.1712A>G, p.Asn571Ser (NM_001178007.2); c.1712A>G (NM_152618.2); short protein forms N571S.
Identifiers: ClinVar variation 1026511 (VCV001026511.5), dbSNP rs371908294, ClinGen allele CA3069498.
Genomic context (GRCh38, chr4:122,743,604, plus strand): 5'-ATATTCTTGCAGAGCAATCTCTGAAAAAAGAAAACCATGCCTGCTCAGGGTGGCTGCATA[A>G]TACTTCCTCTTGGCTGGCTTCATCTCTGGCAATATACAGACCAACTGTGCTTAAATTCCT-3'
Protein context (NP_689831.2, residues 561-581): ENHACSGWLH[Asn571Ser]TSSWLASSLA

ClinVar aggregate classification (germline): Uncertain significance. Review status: criteria provided, multiple submitters, no conflicts (2 of 4 stars). 4 submissions from 4 submitters: Uncertain significance (3). 1 of the submissions does not count toward it. Last evaluated 2024-12-06.

Conditions:
Bardet-Biedl syndrome (BBS). Identifiers: Orphanet 110, MedGen C0752166, MONDO:0015229.
BBS12-related disorder. Also called: BBS12-related condition.
Bardet-Biedl syndrome 12 (BBS12). Identifiers: Orphanet 110, MedGen C1859570, MONDO:0014440, OMIM 615989.

Allele frequency attached by ClinVar (database versions not stated): TOPMed 0.00003; gnomAD 0.00004 and 0.00005; ESP Exome Variant Server 0.00008; 1000 Genomes Project 30x 0.00016; 1000 Genomes Project 0.00020; gnomAD exomes below 0.00001 and 0.00001; ExAC 0.00002.
gnomAD v4.1: 8 of 1,614,172 alleles (0.0005%); highest among the groups gnomAD compares: African/African-American, 0.011%; no homozygotes.

Submissions (4):

PreventionGenetics, part of Exact Sciences
Classification: Uncertain significance for BBS12-related condition. Last evaluated: 2024-12-06. Review status: criteria provided, single submitter. Criteria: ACMG Guidelines, 2015. Collection method: clinical testing. Allele origin: germline.
Comment: The BBS12 c.1712A>G variant is predicted to result in the amino acid substitution p.Asn571Ser. To our knowledge, this variant has not been reported in the literature. This variant is reported in 0.018% of alleles in individuals of African descent in gnomAD. At this time, the clinical significance of this variant is uncertain due to the absence of conclusive functional and genetic evidence.

Labcorp Genetics (formerly Invitae), Labcorp
Classification: Uncertain significance for Bardet-Biedl syndrome. Last evaluated: 2022-08-09. Review status: criteria provided, single submitter. Criteria: Invitae Variant Classification Sherloc (09022015). Collection method: clinical testing. Allele origin: germline.
Comment: This sequence change replaces asparagine, which is neutral and polar, with serine, which is neutral and polar, at codon 571 of the BBS12 protein (p.Asn571Ser). This variant is present in population databases (rs371908294, gnomAD 0.02%). This variant has not been reported in the literature in individuals affected with BBS12-related conditions. ClinVar contains an entry for this variant (Variation ID: 1026511). Algorithms developed to predict the effect of missense changes on protein structure and function (SIFT, PolyPhen-2, Align-GVGD) all suggest that this variant is likely to be tolerated. In summary, the available evidence is currently insufficient to determine the role of this variant in disease. Therefore, it has been classified as a Variant of Uncertain Significance.

Fulgent Genetics
Classification: Uncertain significance for Bardet-Biedl syndrome 12. Last evaluated: 2021-09-08. Review status: criteria provided, single submitter. Criteria: ACMG Guidelines, 2015. Collection method: clinical testing. Allele origin: unknown.

Natera, Inc.
Classification: Uncertain significance for Bardet-Biedl syndrome type 12. Last evaluated: 2021-09-17. Review status: no assertion criteria provided. Collection method: clinical testing. Allele origin: germline. Not counted in ClinVar's aggregate classification.